The following is an entry in ClinVar:

NM_013254.4(TBK1):c.1412G>C (p.Cys471Ser)

Gene: TBK1 (TANK binding kinase 1; plus strand). Cytogenetic location: 12q14.2.
Variant type: single nucleotide variant.
Coding change: c.1412G>C on transcript NM_013254.4 (MANE Select); coding-DNA position 1412, G replaced by C.
Protein change: p.Cys471Ser; replaces cysteine 471 with serine.
Molecular consequence: missense variant.
Genome position (GRCh38, 1-based): chr12:64,488,558, G>C. VCF-style: chr12-64488558-G-C. GRCh37 (hg19) VCF-style: chr12-64882338-G-C.
Other names: c.1412G>C, p.Cys471Ser (LRG_1306t1); short protein forms C471S.
Identifiers: ClinVar variation 542551 (VCV000542551.11), dbSNP rs369875862, ClinGen allele CA385602231.

ClinVar aggregate classification (germline): Uncertain significance. Review status: criteria provided, multiple submitters, no conflicts (2 of 4 stars). 2 submissions from 2 submitters: Uncertain significance (2). Last evaluated 2026-06-08.

Conditions:
TBK1-related disorder. Also called: TBK1-related condition.
Frontotemporal dementia and/or amyotrophic lateral sclerosis 4. Also called: FTDALS4. Identifiers: Orphanet 275872, MedGen C4225325, MONDO:0014641, OMIM 616439.

Submissions (2):

PreventionGenetics, part of Exact Sciences
Classification: Uncertain significance for TBK1-related condition. Last evaluated: 2026-06-08. Review status: criteria provided, single submitter. Criteria: ACMG Guidelines, 2015. Collection method: clinical testing. Allele origin: germline.
Comment: The TBK1 c.1412G>C variant is predicted to result in the amino acid substitution p.Cys471Ser. To our knowledge, this variant has not been reported in the literature or in a large population database, indicating this variant is rare. A different missense change at the same amino acid position, c.1412G>A (p.Cys471Tyr) has been reported in at least two patients with amyotrophic lateral sclerosis (Cirulli et al. 2015. PubMed ID: 25700176; de Majo et al. 2018. PubMed ID: 30033073). At this time, the clinical significance of this variant is uncertain due to the absence of conclusive functional and genetic evidence.

Labcorp Genetics (formerly Invitae), Labcorp
Classification: Uncertain significance for Frontotemporal dementia and/or amyotrophic lateral sclerosis 4. Last evaluated: 2023-12-12. Review status: criteria provided, single submitter. Criteria: Invitae Variant Classification Sherloc (09022015). Collection method: clinical testing. Allele origin: germline.
Comment: This sequence change replaces cysteine, which is neutral and slightly polar, with serine, which is neutral and polar, at codon 471 of the TBK1 protein (p.Cys471Ser). This variant is not present in population databases (gnomAD no frequency). This variant has not been reported in the literature in individuals affected with TBK1-related conditions. ClinVar contains an entry for this variant (Variation ID: 542551). Advanced modeling of protein sequence and biophysical properties (such as structural, functional, and spatial information, amino acid conservation, physicochemical variation, residue mobility, and thermodynamic stability) performed at Invitae indicates that this missense variant is not expected to disrupt TBK1 protein function with a negative predictive value of 95%. In summary, the available evidence is currently insufficient to determine the role of this variant in disease. Therefore, it has been classified as a Variant of Uncertain Significance.